The following is an entry in ClinVar:

NM_000059.4(BRCA2):c.1180G>T (p.Glu394Ter)

Gene: BRCA2 (BRCA2 DNA repair associated; plus strand). Cytogenetic location: 13q13.1.
Variant type: single nucleotide variant.
Coding change: c.1180G>T on transcript NM_000059.4 (MANE Select); coding-DNA position 1180, G replaced by T.
Protein change: p.Glu394Ter; replaces glutamic acid 394 with a stop codon.
Molecular consequence: nonsense.
Genome position (GRCh38, 1-based): chr13:32,332,658, G>T. VCF-style: chr13-32332658-G-T. GRCh37 (hg19) VCF-style: chr13-32906795-G-T.
Other names: short protein forms E394*.
Identifiers: ClinVar variation 51076 (VCV000051076.8), dbSNP rs397507575, ClinGen allele CA011059.

ClinVar aggregate classification (germline): Pathogenic. Review status: reviewed by expert panel (3 of 4 stars). 2 submissions from 2 submitters: Pathogenic (1). 1 of the submissions does not count toward it. Last evaluated 2017-12-15.

Conditions:
Hereditary breast ovarian cancer syndrome. Also called: Hereditary breast and ovarian cancer syndrome; Hereditary breast and ovarian cancer; Hereditary breast and ovarian cancer syndrome (HBOC); Breast and ovarian cancer; Hereditary breast and/or ovarian cancer syndrome; BRCA1- and BRCA2-Associated Hereditary Breast and Ovarian Cancer. Identifiers: Orphanet 145, MedGen C0677776, MeSH D061325, MONDO:0003582. Disease mechanism: loss of function.
Breast-ovarian cancer, familial, susceptibility to, 2 (BROVCA2). Also called: BRCA2 Hereditary Breast and Ovarian Cancer. Identifiers: Orphanet 145, MedGen C2675520, MONDO:0012933, OMIM 612555. Disease mechanism: loss of function.

Submissions (2):

Evidence-based Network for the Interpretation of Germline Mutant Alleles (ENIGMA)
Classification: Pathogenic for Breast-ovarian cancer, familial, susceptibility to, 2. Last evaluated: 2017-12-15. Review status: reviewed by expert panel. Criteria: ENIGMA BRCA1/2 Classification Criteria (2017-06-29). Collection method: curation. Allele origin: germline. Study: ENIGMA.
Comment: Variant allele predicted to encode a truncated non-functional protein.

Labcorp Genetics (formerly Invitae), Labcorp
Classification: Pathogenic for Hereditary breast ovarian cancer syndrome. Last evaluated: 2022-01-11. Review status: criteria provided, single submitter. Criteria: Invitae Variant Classification Sherloc (09022015). Collection method: clinical testing. Allele origin: germline. Not counted in ClinVar's aggregate classification.
Comment: This variant is also known as G1408T. This premature translational stop signal has been observed in individual(s) with breast cancer (PMID: 20383589). This variant is not present in population databases (gnomAD no frequency). This sequence change creates a premature translational stop signal (p.Glu394*) in the BRCA2 gene. It is expected to result in an absent or disrupted protein product. Loss-of-function variants in BRCA2 are known to be pathogenic (PMID: 20104584). ClinVar contains an entry for this variant (Variation ID: 51076). For these reasons, this variant has been classified as Pathogenic.

Literature cited by the submitters: PubMed 20383589 (cited by Labcorp Genetics (formerly Invitae), Labcorp); PubMed 20104584 (cited by Labcorp Genetics (formerly Invitae), Labcorp).